The following is an entry in ClinVar:

NM_022089.4(ATP13A2):c.1895C>T (p.Ser632Leu)

Gene: ATP13A2 (ATPase cation transporting 13A2; minus strand). Cytogenetic location: 1p36.13.
Variant type: single nucleotide variant.
Coding change: c.1895C>T on transcript NM_022089.4 (MANE Select); coding-DNA position 1895, C replaced by T.
Protein change: p.Ser632Leu; replaces serine 632 with leucine.
Molecular consequence: missense variant.
Genome position (GRCh38, 1-based): chr1:16,992,353, G>A on the plus strand (C>T on the coding strand, the complement: ATP13A2 is on the minus strand). VCF-style: chr1-16992353-G-A. GRCh37 (hg19) VCF-style: chr1-17318848-G-A.
Other names: c.1880C>T, p.Ser627Leu (NM_001141973.3, NM_001141974.3); short protein forms S632L, S627L.
Identifiers: ClinVar variation 533804 (VCV000533804.4), dbSNP rs376070950, ClinGen allele CA637041.

ClinVar aggregate classification (germline): Uncertain significance. Review status: criteria provided, multiple submitters, no conflicts (2 of 4 stars). 2 submissions from 2 submitters: Uncertain significance (2). Last evaluated 2023-01-17.

Conditions:
Kufor-Rakeb syndrome (KRS). Also called: PARKINSON DISEASE 9, AUTOSOMAL RECESSIVE, JUVENILE-ONSET. Identifiers: Orphanet 306674, Orphanet 314632, MedGen C1847640, MONDO:0011706, OMIM 606693.
Autosomal recessive spastic paraplegia type 78. Identifiers: Orphanet 513436, MedGen C5567893, MONDO:0014975, OMIM 617225.

Allele frequency attached by ClinVar (database versions not stated): gnomAD 0.00003; TOPMed 0.00003; ESP Exome Variant Server 0.00008.
gnomAD v4.1: 62 of 1,613,168 alleles (0.0038%); highest among the groups gnomAD compares: Middle Eastern, 0.016%; no homozygotes.

Submissions (2):

Blueprint Genetics
Classification: Uncertain significance. Last evaluated: 2023-01-17. Review status: criteria provided, single submitter. Criteria: ACMG Guidelines, 2015. Collection method: clinical testing. Allele origin: germline.

Labcorp Genetics (formerly Invitae), Labcorp
Classification: Uncertain significance for Kufor-Rakeb syndrome; Autosomal recessive spastic paraplegia type 78. Last evaluated: 2021-08-28. Review status: criteria provided, single submitter. Criteria: Invitae Variant Classification Sherloc (09022015). Collection method: clinical testing. Allele origin: germline.
Comment: This sequence change replaces serine with leucine at codon 632 of the ATP13A2 protein (p.Ser632Leu). The serine residue is highly conserved and there is a large physicochemical difference between serine and leucine. This variant is present in population databases (rs376070950, ExAC 0.003%). This variant has not been reported in the literature in individuals affected with ATP13A2-related conditions. Algorithms developed to predict the effect of missense changes on protein structure and function (SIFT, PolyPhen-2, Align-GVGD) all suggest that this variant is likely to be disruptive. In summary, the available evidence is currently insufficient to determine the role of this variant in disease. Therefore, it has been classified as a Variant of Uncertain Significance.